The following is an entry in ClinVar:

ClinVar aggregate classification (germline): Conflicting classifications of pathogenicity. Review status: criteria provided, conflicting classifications (1 of 4 stars). 4 submissions from 4 submitters: Uncertain significance (1); Likely benign (2). 1 of the submissions does not count toward it. Last evaluated 2026-03-31.

Conditions:
Hereditary breast ovarian cancer syndrome. Also called: Hereditary breast and ovarian cancer; Hereditary breast and ovarian cancer syndrome (HBOC); Hereditary breast and ovarian cancer syndrome; Breast and ovarian cancer; Hereditary breast and/or ovarian cancer syndrome; BRCA1- and BRCA2-Associated Hereditary Breast and Ovarian Cancer. Identifiers: Orphanet 145, MedGen C0677776, MeSH D061325, MONDO:0003582. Disease mechanism: loss of function.
Hereditary cancer-predisposing syndrome. Also called: Tumor predisposition; Hereditary Cancer Syndrome; Neoplastic Syndromes, Hereditary; Hereditary neoplastic syndrome. Identifiers: Orphanet 140162, MedGen C0027672, MeSH D009386, MONDO:0015356.
Familial cancer of breast. Also called: hereditary breast carcinoma; Hereditary breast cancer; BREAST CANCER, FAMILIAL. Identifiers: Orphanet 227535, MedGen C0346153, MONDO:0016419, OMIM 114480. Disease mechanism: loss of function.

gnomAD v4.1: 1 of 1,614,032 alleles (0.000062%); highest among the groups gnomAD compares: East Asian, 0.0022%; no homozygotes.

Submissions (4):

Ambry Genetics
Classification: Likely benign for Hereditary cancer-predisposing syndrome. Last evaluated: 2026-03-31. Review status: criteria provided, single submitter. Criteria: Ambry Variant Classification Scheme 2023. Collection method: clinical testing. Allele origin: germline.

University of Washington Department of Laboratory Medicine, University of Washington
Classification: Likely benign for Hereditary cancer-predisposing syndrome. Last evaluated: 2023-03-23. Review status: criteria provided, single submitter. Criteria: Dines et al. (Genet Med. 2020). Collection method: curation. Allele origin: germline.
Comment: Missense variant in a coldspot region where missense variants are very unlikely to be pathogenic (PMID:31911673).

BRCA2 exon 11 coldspot. Reclassification based on statistical prior probability.

Labcorp Genetics (formerly Invitae), Labcorp
Classification: Uncertain significance for Hereditary breast ovarian cancer syndrome. Last evaluated: 2022-12-17. Review status: criteria provided, single submitter. Criteria: Invitae Variant Classification Sherloc (09022015). Collection method: clinical testing. Allele origin: germline.
Comment: In summary, the available evidence is currently insufficient to determine the role of this variant in disease. Therefore, it has been classified as a Variant of Uncertain Significance. Advanced modeling of protein sequence and biophysical properties (such as structural, functional, and spatial information, amino acid conservation, physicochemical variation, residue mobility, and thermodynamic stability) performed at Invitae indicates that this missense variant is not expected to disrupt BRCA2 protein function. ClinVar contains an entry for this variant (Variation ID: 580612). This missense change has been observed in individual(s) with breast cancer (PMID: 32101877). This variant is present in population databases (no rsID available, gnomAD 0.006%). This sequence change replaces glutamic acid, which is acidic and polar, with valine, which is neutral and non-polar, at codon 1571 of the BRCA2 protein (p.Glu1571Val).

Center for Precision Medicine, Meizhou People's Hospital
Classification: Uncertain significance for Familial cancer of breast. Review status: no assertion criteria provided. Collection method: literature only. Allele origin: germline. Affected: yes. Not counted in ClinVar's aggregate classification.

Literature cited by the submitters: PubMed 32101877 (cited by Labcorp Genetics (formerly Invitae), Labcorp).

NM_000059.4(BRCA2):c.4712A>T (p.Glu1571Val)

Gene: BRCA2 (BRCA2 DNA repair associated; plus strand). Cytogenetic location: 13q13.1.
Variant type: single nucleotide variant.
Coding change: c.4712A>T on transcript NM_000059.4 (MANE Select); coding-DNA position 4712, A replaced by T.
Protein change: p.Glu1571Val; replaces glutamic acid 1571 with valine.
Molecular consequence: missense variant.
Genome position (GRCh38, 1-based): chr13:32,339,067, A>T. VCF-style: chr13-32339067-A-T. GRCh37 (hg19) VCF-style: chr13-32913204-A-T.
Other names: short protein forms E1571V.
Identifiers: ClinVar variation 580612 (VCV000580612.13), dbSNP rs766833528, ClinGen allele CA387782939.